The following is an entry in ClinVar:

ClinVar aggregate classification (germline): Uncertain significance (1 of 4 stars; one submission).

Allele frequency attached by ClinVar (database versions not stated): ExAC 0.00002; gnomAD 0.00010; TOPMed 0.00011; ESP Exome Variant Server 0.00023.
gnomAD v4.1: 28 of 1,614,032 alleles (0.0017%); highest among the groups gnomAD compares: African/African-American, 0.037%; no homozygotes.

Submission:

Athena Diagnostics
Classification: Uncertain significance. Last evaluated: 2023-08-11. Review status: criteria provided, single submitter. Criteria: Athena Diagnostics Criteria. Collection method: clinical testing. Allele origin: unknown.
Comment: Available data are insufficient to determine the clinical significance of the variant at this time. The frequency of this variant in the general population is uninformative in assessment of its pathogenicity. Computational tools predict that this variant is not damaging.

NM_182961.4(SYNE1):c.14620G>A (p.Glu4874Lys)

Gene: SYNE1 (spectrin repeat containing nuclear envelope protein 1; minus strand). Cytogenetic location: 6q25.2.
Variant type: single nucleotide variant.
Coding change: c.14620G>A on transcript NM_182961.4 (MANE Select); coding-DNA position 14620, G replaced by A.
Protein change: p.Glu4874Lys; replaces glutamic acid 4874 with lysine.
Molecular consequence: missense variant.
Genome position (GRCh38, 1-based): chr6:152,330,065, C>T on the plus strand (G>A on the coding strand, the complement: SYNE1 is on the minus strand). VCF-style: chr6-152330065-C-T. GRCh37 (hg19) VCF-style: chr6-152651200-C-T.
Other names: c.14407G>A, p.Glu4803Lys (NM_033071.5); short protein forms E4803K, E4874K.
Identifiers: ClinVar variation 2684031 (VCV002684031.1), dbSNP rs147947110, ClinGen allele CA4055978.
Genomic context (GRCh38, chr6:152,330,065, plus strand): 5'-TCATCTCAGTCTGGAAGTCTATACTCTGCACCATTCGGCTCTCACATTCTGTCACCGTCT[C>T]ACCAATGGCAGAAGTCAACAGTTTTAACTCCCCTTGCCAGGACTGGATCTGATGCCTGGC-3'
Protein context (NP_892006.3, residues 4864-4884): ELKLLTSAIG[Glu4874Lys]TVTECESRMV